The following is an entry in ClinVar:

NM_001278426.4(LILRB4):c.1132C>T (p.Pro378Ser)

Gene: LILRB4 (leukocyte immunoglobulin like receptor B4; plus strand). Cytogenetic location: 19q13.42.
Variant type: single nucleotide variant.
Coding change: c.1132C>T on transcript NM_001278426.4 (MANE Select); coding-DNA position 1132, C replaced by T.
Protein change: p.Pro378Ser; replaces proline 378 with serine.
Molecular consequence: missense variant. On other transcripts: intron variant (1).
Genome position (GRCh38, 1-based): chr19:54,667,725, C>T. VCF-style: chr19-54667725-C-T. GRCh37 (hg19) VCF-style: chr19-55179176-C-T.
Other names: c.1129C>T, p.Pro377Ser (NM_001278427.4, NM_001394934.1); c.1132C>T, p.Pro378Ser (NM_001278428.4); c.1099C>T, p.Pro367Ser (NM_001278429.4); c.1135C>T, p.Pro379Ser (NM_001394933.1); c.1126C>T, p.Pro376Ser (NM_001394935.1); c.1096C>T, p.Pro366Ser (NM_001394936.1); c.1093C>T, p.Pro365Ser (NM_001394937.1); c.985C>T, p.Pro329Ser (NM_001394938.1); and 1 more; short protein forms P329S, P365S, P366S, P367S, P376S, P377S, P378S, P379S.
Identifiers: ClinVar variation 2650457 (VCV002650457.24), dbSNP rs61743356, ClinGen allele CA309802804.

ClinVar aggregate classification (germline): Likely benign (1 of 4 stars; one submission).

Allele frequency attached by ClinVar (database versions not stated): TOPMed 0.00286; ESP Exome Variant Server 0.00323; gnomAD 0.00398; 1000 Genomes Project 0.00399; 1000 Genomes Project 30x 0.00406.
gnomAD v4.1: 6,818 of 1,610,630 alleles (0.42%); highest among the groups gnomAD compares: Middle Eastern, 0.69%; 21 homozygotes.

Submission:

CeGaT Center for Human Genetics Tuebingen
Classification: Likely benign. Last evaluated: 2022-11-01. Review status: criteria provided, single submitter. Criteria: CeGaT Center For Human Genetics Tuebingen Variant Classification Criteria Version 2. Collection method: clinical testing. Allele origin: germline. Affected: yes. Observed: 1 variant allele.
Comment: LILRB4: BP4, BS2